The following is an entry in ClinVar:

NM_003640.5(ELP1):c.1021dup (p.Cys341fs)

Gene: ELP1 (elongator acetyltransferase complex subunit 1; minus strand). Cytogenetic location: 9q31.3.
Variant type: Duplication.
Coding change: c.1021dup on transcript NM_003640.5 (MANE Select); coding-DNA position 1021, one base duplicated (T; older notation c.1021dupT).
Protein change: p.Cys341fs; shifts the reading frame from cysteine 341.
Molecular consequence: frameshift variant. On other transcripts: 5 prime UTR variant (1).
Genome position (GRCh38, 1-based): chr9:108,912,432, A duplicated on the plus strand (T on the coding strand, the reverse complement: ELP1 is on the minus strand). VCF-style (leftmost placement, unchanged base first): chr9-108912431-C-CA. GRCh37 (hg19) VCF-style: chr9-111674711-C-CA.
Other names: c.679dup, p.Cys227fs (NM_001318360.2); c.-27dup (NM_001330749.2); short protein forms C227fs, C341fs.
Identifiers: ClinVar variation 4815162 (VCV004815162.2).
Genomic context (GRCh38, chr9:108,912,431, plus strand): 5'-ACATGCAGCCGGTATGGGGTCACAGGGTCCCACATCAGAGACACAATCTTGCTCTTCCCA[C>CA]AGGTGCTGAAGGATAAACTTTGCTTGAGATACCAGTGATAGTTTCCAACAGTCCAGAGCT-3'

ClinVar aggregate classification (germline): Pathogenic/Likely pathogenic. Review status: criteria provided, multiple submitters, no conflicts (2 of 4 stars). 2 submissions from 2 submitters: Pathogenic (1); Likely pathogenic (1). Last evaluated 2025-07-27.

Conditions:
Familial dysautonomia. Also called: FD; HSAN III. Identifiers: Orphanet 1764, MedGen C0013364, MONDO:0009131, OMIM 223900. Disease mechanism: loss of function.

Submissions (2):

Natera, Inc.
Classification: Likely pathogenic for Familial dysautonomia. Last evaluated: 2025-07-27. Review status: criteria provided, single submitter. Criteria: Natera Variant Classification Schema (03/2026). Collection method: clinical testing. Allele origin: germline.
Comment: The c.1021dupT variant in ELP1 is a frameshift variant predicted to shift the reading frame beginning at codon 341 and leads to a stop codon 32 codons downstream. This variant is expected to result in nonsense mediated decay, truncation, or a dysfunctional protein product. This variant is rare in the general population with a frequency below the threshold expected for the associated phenotype(s). Given the available evidence, this variant is classified as Likely Pathogenic.

Myriad Genetics, Inc.
Classification: Pathogenic for Familial dysautonomia. Last evaluated: 2023-11-23. Review status: criteria provided, single submitter. Criteria: Myriad Autosomal Dominant, Autosomal Recessive and X-Linked Classification Criteria (2023). Collection method: clinical testing. Allele origin: unknown.
Comment: NM_003640.3(ELP1):c.1021dupT(C341Lfs*32) is expected to be pathogenic in the context of familial dysautonomia. This variant is predicted to lead to an abnormal or absent protein product due to the creation of a premature termination codon in ELP1, a gene where loss-of-function variants are known to be pathogenic. Please note: this variant was assessed in the context of healthy population screening.